The following is an entry in ClinVar:

NM_024884.3(L2HGDH):c.569C>T (p.Thr190Ile)

Gene: L2HGDH (L-2-hydroxyglutarate dehydrogenase; minus strand). Cytogenetic location: 14q21.3.
Variant type: single nucleotide variant.
Coding change: c.569C>T on transcript NM_024884.3 (MANE Select); coding-DNA position 569, C replaced by T.
Protein change: p.Thr190Ile; replaces threonine 190 with isoleucine.
Molecular consequence: missense variant.
Genome position (GRCh38, 1-based): chr14:50,284,005, G>A on the plus strand (C>T on the coding strand, the complement: L2HGDH is on the minus strand). VCF-style: chr14-50284005-G-A. GRCh37 (hg19) VCF-style: chr14-50750723-G-A.
Other names: p.Thr190Ile; c.569C>T, p.Thr190Ile (NM_001425212.1); c.458C>T, p.Thr153Ile (NM_001425213.1, NM_001425214.1); c.23C>T, p.Thr8Ile (NM_001425215.1, NM_001425217.1, NM_001425216.1 and 1 more transcripts); short protein forms T153I, T190I, T8I.
Identifiers: ClinVar variation 3069197 (VCV003069197.2), dbSNP rs2503604535, ClinGen allele CA389654110.

ClinVar aggregate classification (germline): Uncertain significance (1 of 4 stars; one submission).

Conditions:
L-2-hydroxyglutaric aciduria (L2HGA). Identifiers: Orphanet 79314, MedGen C1855995, MONDO:0009370, OMIM 236792, HP:0040144.

Submission:

Diagnosticos Moleculares y Geneticos Departamento, Dimygen Laboratorio
Classification: Uncertain significance for L-2-hydroxyglutaric aciduria. Last evaluated: 2024-02-06. Review status: criteria provided, single submitter. Criteria: ACMG Guidelines, 2015. Collection method: clinical testing. Allele origin: germline. Inheritance: Autosomal recessive inheritance. Affected: yes. Observed: 1 homozygote.
Comment: This variant is absent from the Genome Aggregation Database, and previous studies with extensive families from different populations and ethnicities have not recorded this mutation (PM2). Predictions from five bioinformatic tools including PROVEAN, MutationAssessor, FATHMM-MKL, SIFT, and PolyPhen-2 indicate that the pathogenicity of this genetic variant is likely deleterious, damaging, or disease causing (PP3). In summary, this variant meets criteria to be classified as a variant of uncertain clinical significance for L-2 hydroxyglutaric aciduria based on the ACMG/AMP criteria applied.

Literature cited by the submitters: PubMed 38464914; PubMed 29302074; PubMed 38301078.